The following is an entry in ClinVar:

ClinVar aggregate classification (germline): Likely benign. Review status: criteria provided, multiple submitters, no conflicts (2 of 4 stars). 3 submissions from 3 submitters: Likely benign (2). 1 of the submissions does not count toward it. Last evaluated 2026-02-01.

Conditions:
PKD1-related disorder. Also called: PKD1-related condition.

Allele frequency attached by ClinVar (database versions not stated): TOPMed 0.00006; gnomAD 0.00023; ExAC 0.00113; 1000 Genomes Project 30x 0.00234; 1000 Genomes Project 0.00260.
gnomAD v4.1: 612 of 1,609,970 alleles (0.038%); highest among the groups gnomAD compares: South Asian, 0.62%; 7 homozygotes.

Submissions (4):

CeGaT Center for Human Genetics Tuebingen
Classification: Likely benign. Last evaluated: 2026-02-01. Review status: criteria provided, single submitter. Criteria: CeGaT Center For Human Genetics Tuebingen Variant Classification Criteria Version 2. Collection method: clinical testing. Allele origin: germline. Affected: yes. Observed: 2 variant alleles.
Comment: PKD1: BP4, BP7

Blueprint Genetics
Classification: Likely benign. Last evaluated: 2024-11-22. Review status: criteria provided, single submitter. Criteria: ACMG Guidelines, 2015. Collection method: clinical testing. Allele origin: germline.

PreventionGenetics, part of Exact Sciences
Classification: Benign for PKD1-related condition. Last evaluated: 2021-02-10. Review status: no assertion criteria provided. Collection method: clinical testing. Allele origin: germline. Not counted in ClinVar's aggregate classification.
Comment: This variant is classified as benign based on ACMG/AMP sequence variant interpretation guidelines (Richards et al. 2015 PMID: 25741868, with internal and published modifications).

Dr. Peter K. Rogan Lab, Western University
No classification provided (evidence only). Condition: Uterine corpus endometrial carcinoma. Review status: no classification provided. Collection method: in vitro. Allele origin: not applicable. Functional consequence: retained intron. Not counted in ClinVar's aggregate classification.

NM_001009944.3(PKD1):c.8334C>T (p.Gly2778=)

Gene: PKD1 (polycystin 1, transient receptor potential channel interacting; minus strand). Cytogenetic location: 16p13.3.
Variant type: single nucleotide variant.
Coding change: c.8334C>T on transcript NM_001009944.3 (MANE Select); coding-DNA position 8334, C replaced by T.
Protein change: p.Gly2778=; no amino-acid change (glycine 2778 retained).
Molecular consequence: synonymous variant.
Genome position (GRCh38, 1-based): chr16:2,103,723, G>A on the plus strand (C>T on the coding strand, the complement: PKD1 is on the minus strand). VCF-style: chr16-2103723-G-A. GRCh37 (hg19) VCF-style: chr16-2153724-G-A.
Other names: NC_000016.9:g.2153724G>A; c.8334C>T, p.Gly2778= (NM_000296.4).
Identifiers: ClinVar variation 2646000 (VCV002646000.27), dbSNP rs559071281, ClinGen allele CA7830558.
Genomic context (GRCh38, chr16:2,103,723, plus strand): 5'-GCCGCCATAGCACAGCAGGCTCCGCGGGTCCGAGCGCTTGCCCTGGGCCACGATCTCCTC[G>A]CCCGCCAGCGTCAGGGGCTCCTCGTTGAGCACGCGGGAGCGCATGAGGATGCGCATGAGG-3'
Protein context (NP_001009944.3, residues 2768-2788): VLNEEPLTLA[Gly2778=]EEIVAQGKRS